The following is an entry in ClinVar:

ClinVar aggregate classification (germline): Uncertain significance (1 of 4 stars; one submission).

gnomAD v4.1: 5 of 1,614,032 alleles (0.00031%); highest among the groups gnomAD compares: Non-Finnish European, 0.00042%; no homozygotes.

Submission:

Labcorp Genetics (formerly Invitae), Labcorp
Classification: Uncertain significance. Last evaluated: 2025-06-22. Review status: criteria provided, single submitter. Criteria: Invitae Variant Classification Sherloc (09022015). Collection method: clinical testing. Allele origin: germline.
Comment: This sequence change replaces threonine, which is neutral and polar, with isoleucine, which is neutral and non-polar, at codon 1992 of the ABCA4 protein (p.Thr1992Ile). This variant is not present in population databases (gnomAD no frequency). This variant has not been reported in the literature in individuals affected with ABCA4-related conditions. Invitae Evidence Modeling of protein sequence and biophysical properties (such as structural, functional, and spatial information, amino acid conservation, physicochemical variation, residue mobility, and thermodynamic stability) indicates that this missense variant is expected to disrupt ABCA4 protein function with a positive predictive value of 95%. In summary, the available evidence is currently insufficient to determine the role of this variant in disease. Therefore, it has been classified as a Variant of Uncertain Significance.

NM_000350.3(ABCA4):c.5975C>T (p.Thr1992Ile)

Gene: ABCA4 (ATP binding cassette subfamily A member 4; minus strand). Cytogenetic location: 1p22.1.
Variant type: single nucleotide variant.
Coding change: c.5975C>T on transcript NM_000350.3 (MANE Select); coding-DNA position 5975, C replaced by T.
Protein change: p.Thr1992Ile; replaces threonine 1992 with isoleucine.
Molecular consequence: missense variant.
Genome position (GRCh38, 1-based): chr1:94,007,664, G>A on the plus strand (C>T on the coding strand, the complement: ABCA4 is on the minus strand). VCF-style: chr1-94007664-G-A. GRCh37 (hg19) VCF-style: chr1-94473220-G-A.
Other names: c.5753C>T, p.Thr1918Ile (NM_001425324.1); short protein forms T1918I, T1992I.
Identifiers: ClinVar variation 4759760 (VCV004759760.1).